The following is an entry in ClinVar:

NM_004958.4(MTOR):c.743C>A (p.Thr248Asn)

Gene: MTOR (mechanistic target of rapamycin kinase; minus strand). Cytogenetic location: 1p36.22.
Variant type: single nucleotide variant.
Coding change: c.743C>A on transcript NM_004958.4 (MANE Select); coding-DNA position 743, C replaced by A.
Protein change: p.Thr248Asn; replaces threonine 248 with asparagine.
Molecular consequence: missense variant.
Genome position (GRCh38, 1-based): chr1:11,253,936, G>T on the plus strand (C>A on the coding strand, the complement: MTOR is on the minus strand). VCF-style: chr1-11253936-G-T. GRCh37 (hg19) VCF-style: chr1-11313993-G-T.
Other names: c.743C>A (LRG_734t1); short protein forms T248N.
Identifiers: ClinVar variation 646348 (VCV000646348.1), dbSNP rs377679898, ClinGen allele CA338401506.
Genomic context (GRCh38, chr1:11,253,936, plus strand): 5'-AGGATCAACAAGGCTCCATGGATCCGATCATCCCGATTCATGCCCTTCTCTTTGGCCAAG[G>T]TCTCATCAAATCCCTTCTCTGCTTCTTCAAATGTGTGCTATGTAGAGAGACAGGGTGCCT-3'
Protein context (NP_004949.1, residues 238-258): FEEAEKGFDE[Thr248Asn]LAKEKGMNRD

ClinVar aggregate classification (germline): Uncertain significance (1 of 4 stars; one submission).

gnomAD v4.1: 2 of 1,613,870 alleles (0.00012%); highest among the groups gnomAD compares: South Asian, 0.0011%; no homozygotes.

Submission:

Labcorp Genetics (formerly Invitae), Labcorp
Classification: Uncertain significance. Last evaluated: 2018-07-12. Review status: criteria provided, single submitter. Criteria: Invitae Variant Classification Sherloc (09022015). Collection method: clinical testing. Allele origin: germline.
Comment: This sequence change replaces threonine with asparagine at codon 248 of the MTOR protein (p.Thr248Asn). The threonine residue is moderately conserved and there is a small physicochemical difference between threonine and asparagine. This variant is not present in population databases (ExAC no frequency). This variant has not been reported in the literature in individuals with MTOR-related disease. Algorithms developed to predict the effect of missense changes on protein structure and function (SIFT, PolyPhen-2, Align-GVGD) all suggest that this variant is likely to be tolerated, but these predictions have not been confirmed by published functional studies and their clinical significance is uncertain. In summary, the available evidence is currently insufficient to determine the role of this variant in disease. Therefore, it has been classified as a Variant of Uncertain Significance.